The following is an entry in ClinVar:

ClinVar aggregate classification (germline): Uncertain significance (1 of 4 stars; one submission).

Submission:

Labcorp Genetics (formerly Invitae), Labcorp
Classification: Uncertain significance. Last evaluated: 2024-05-08. Review status: criteria provided, single submitter. Criteria: Invitae Variant Classification Sherloc (09022015). Collection method: clinical testing. Allele origin: germline.
Comment: This sequence change replaces glutamic acid, which is acidic and polar, with glycine, which is neutral and non-polar, at codon 204 of the HPS1 protein (p.Glu204Gly). This variant is not present in population databases (gnomAD no frequency). This variant has not been reported in the literature in individuals affected with HPS1-related conditions. Advanced modeling of protein sequence and biophysical properties (such as structural, functional, and spatial information, amino acid conservation, physicochemical variation, residue mobility, and thermodynamic stability) performed at Invitae indicates that this missense variant is not expected to disrupt HPS1 protein function with a negative predictive value of 80%. In summary, the available evidence is currently insufficient to determine the role of this variant in disease. Therefore, it has been classified as a Variant of Uncertain Significance.

NM_000195.5(HPS1):c.611A>G (p.Glu204Gly)

Gene: HPS1 (HPS1 biogenesis of lysosomal organelles complex 3 subunit 1; minus strand). Cytogenetic location: 10q24.2.
Variant type: single nucleotide variant.
Coding change: c.611A>G on transcript NM_000195.5 (MANE Select); coding-DNA position 611, A replaced by G.
Protein change: p.Glu204Gly; replaces glutamic acid 204 with glycine.
Molecular consequence: missense variant. On other transcripts: 5 prime UTR variant (3), intron variant (5).
Genome position (GRCh38, 1-based): chr10:98,431,188, T>C on the plus strand (A>G on the coding strand, the complement: HPS1 is on the minus strand). VCF-style: chr10-98431188-T-C. GRCh37 (hg19) VCF-style: chr10-100190945-T-C.
Other names: c.-263A>G (NM_001311345.2, NM_001322489.2); c.611A>G, p.Glu204Gly (NM_001322476.2, NM_001322477.2, NM_001322478.2 and 3 more transcripts); c.242A>G, p.Glu81Gly (NM_001322483.2, NM_001322484.2, NM_001322485.2); c.-362A>G (NM_001322487.2); c.408-518A>G (NM_001322480.2, NM_001322482.2, NM_001322481.2); c.551-518A>G (NM_001322492.2, NM_001322490.2); short protein forms E204G, E81G.
Identifiers: ClinVar variation 3642325 (VCV003642325.2).